The following is an entry in ClinVar:

ClinVar aggregate classification (germline): Uncertain significance (1 of 4 stars; one submission).

Conditions:
Atrial fibrillation, familial, 18 (ATFB18). Identifiers: MedGen C4310636, MONDO:0015001, OMIM 617280.

gnomAD v4.1: 1 of 1,614,060 alleles (0.000062%); no homozygotes.

Submission:

Labcorp Genetics (formerly Invitae), Labcorp
Classification: Uncertain significance for Atrial fibrillation, familial, 18. Last evaluated: 2024-06-02. Review status: criteria provided, single submitter. Criteria: Invitae Variant Classification Sherloc (09022015). Collection method: clinical testing. Allele origin: germline.
Comment: This sequence change replaces aspartic acid, which is acidic and polar, with glutamic acid, which is acidic and polar, at codon 180 of the MYL4 protein (p.Asp180Glu). This variant is not present in population databases (gnomAD no frequency). This variant has not been reported in the literature in individuals affected with MYL4-related conditions. An algorithm developed to predict the effect of missense changes on protein structure and function (PolyPhen-2) suggests that this variant is likely to be tolerated. In summary, the available evidence is currently insufficient to determine the role of this variant in disease. Therefore, it has been classified as a Variant of Uncertain Significance.

NM_002476.2(MYL4):c.540T>A (p.Asp180Glu)

Gene: MYL4 (myosin light chain 4; plus strand). Cytogenetic location: 17q21.32.
Variant type: single nucleotide variant.
Coding change: c.540T>A on transcript NM_002476.2 (MANE Select); coding-DNA position 540, T replaced by A.
Protein change: p.Asp180Glu; replaces aspartic acid 180 with glutamic acid.
Molecular consequence: missense variant.
Genome position (GRCh38, 1-based): chr17:47,222,432, T>A. VCF-style: chr17-47222432-T-A. GRCh37 (hg19) VCF-style: chr17-45299798-T-A.
Other names: c.540T>A, p.Asp180Glu (NM_001002841.2); short protein forms D180E.
Identifiers: ClinVar variation 3655279 (VCV003655279.2).